The following is an entry in ClinVar:

NM_000360.4(TH):c.1105-78A>G

Gene: TH (tyrosine hydroxylase; minus strand). Cytogenetic location: 11p15.5.
Variant type: single nucleotide variant.
Coding change: c.1105-78A>G on transcript NM_000360.4 (MANE Select); 78 bases into the intron before coding-DNA position 1105, A replaced by G.
Molecular consequence: intron variant.
Genome position (GRCh38, 1-based): chr11:2,165,841, T>C on the plus strand (A>G on the coding strand, the complement: TH is on the minus strand). VCF-style: chr11-2165841-T-C. GRCh37 (hg19) VCF-style: chr11-2187071-T-C.
Other names: c.1186-78A>G (NM_199293.3); c.1198-78A>G (NM_199292.3).
Identifiers: ClinVar variation 1180574 (VCV001180574.7), dbSNP rs6578990, ClinGen allele CA216283843.

ClinVar aggregate classification (germline): Benign. Review status: criteria provided, multiple submitters, no conflicts (2 of 4 stars). 4 submissions from 4 submitters: Benign (4). Last evaluated 2024-07-31.

Conditions:
TH-deficient dopa-responsive dystonia. Also called: DYT-TH; Tyrosine Hydroxylase-Deficient Dopa-Responsive Dystonia; Segawa syndrome, autosomal recessive. Identifiers: Orphanet 101150, MedGen C2673535, MONDO:0011551, OMIM 605407.

Allele frequency attached by ClinVar (database versions not stated): TOPMed 0.90301; 1000 Genomes Project 30x 0.90756; gnomAD 0.90803 and 0.91463; 1000 Genomes Project 0.91174; gnomAD exomes 0.99103.
gnomAD v4.1: 1,524,557 of 1,550,660 alleles (98%); highest among the groups gnomAD compares: East Asian, 100%; 752,632 homozygotes.

Submissions (4):

Unidad de Genómica Garrahan, Hospital de Pediatría Garrahan
Classification: Benign. Last evaluated: 2024-07-31. Review status: criteria provided, single submitter. Criteria: ACMG Guidelines, 2015. Collection method: clinical testing. Allele origin: germline. Affected: no. Observed: 93 variant alleles.
Comment: This variant is classified as Benign based on local population frequency. This variant was detected in 100% of patients studied in a panel designed for Epileptic and Developmental Encephalopathy, Progressive Myoclonus Epilepsy and Abnormal Movements and Neurodegeneration with brain iron accumulation. Number of patients: 93. Only high quality variants are reported.

Genome-Nilou Lab
Classification: Benign for TH-deficient dopa-responsive dystonia. Last evaluated: 2021-07-10. Review status: criteria provided, single submitter. Criteria: ACMG Guidelines, 2015. Collection method: clinical testing. Allele origin: germline. Affected: no.

GeneDx
Classification: Benign. Last evaluated: 2015-03-03. Review status: criteria provided, single submitter. Criteria: GeneDx Variant Classification Process June 2021. Collection method: clinical testing. Allele origin: germline. Affected: yes.

Breakthrough Genomics
Classification: Benign. Review status: criteria provided, single submitter. Criteria: ACMG Guidelines, 2015. Collection method: not provided. Allele origin: germline. Inheritance: Autosomal recessive inheritance. Affected: yes.